The following is an entry in ClinVar:

ClinVar aggregate classification (germline): Benign (1 of 4 stars; one submission).

Allele frequency attached by ClinVar (database versions not stated): 1000 Genomes Project 30x 0.00047; 1000 Genomes Project 0.00060; ExAC 0.00090; gnomAD 0.00122; TOPMed 0.00124; gnomAD exomes 0.00207; ESP Exome Variant Server 0.00215.

Submission:

CeGaT Center for Human Genetics Tuebingen
Classification: Benign. Last evaluated: 2022-11-01. Review status: criteria provided, single submitter. Criteria: CeGaT Center For Human Genetics Tuebingen Variant Classification Criteria Version 2. Collection method: clinical testing. Allele origin: germline. Affected: yes. Observed: 1 variant allele.
Comment: LPA: BP4, BS1, BS2

NM_005577.4(LPA):c.6104G>A (p.Gly2035Glu)

Gene: LPA (lipoprotein(a); minus strand). Cytogenetic location: 6q25.3.
Variant type: single nucleotide variant.
Coding change: c.6104G>A on transcript NM_005577.4 (MANE Select); coding-DNA position 6104, G replaced by A.
Protein change: p.Gly2035Glu; replaces glycine 2035 with glutamic acid.
Molecular consequence: missense variant.
Genome position (GRCh38, 1-based): chr6:160,531,748, C>T on the plus strand (G>A on the coding strand, the complement: LPA is on the minus strand). VCF-style: chr6-160531748-C-T. GRCh37 (hg19) VCF-style: chr6-160952780-C-T.
Other names: short protein forms G2035E.
Identifiers: ClinVar variation 1879678 (VCV001879678.29), dbSNP rs186413938, ClinGen allele CA4085503.